The following is an entry in ClinVar:

ClinVar aggregate classification (germline): Uncertain significance (1 of 4 stars; one submission).

Submission:

Labcorp Genetics (formerly Invitae), Labcorp
Classification: Uncertain significance. Last evaluated: 2022-06-22. Review status: criteria provided, single submitter. Criteria: Invitae Variant Classification Sherloc (09022015). Collection method: clinical testing. Allele origin: germline.
Comment: In summary, the available evidence is currently insufficient to determine the role of this variant in disease. Therefore, it has been classified as a Variant of Uncertain Significance. Algorithms developed to predict the effect of missense changes on protein structure and function are either unavailable or do not agree on the potential impact of this missense change (SIFT: "Deleterious"; PolyPhen-2: "Benign"; Align-GVGD: "Class C65"). This variant has not been reported in the literature in individuals affected with NFKB1-related conditions. This variant is not present in population databases (gnomAD no frequency). This sequence change replaces tyrosine, which is neutral and polar, with cysteine, which is neutral and slightly polar, at codon 90 of the NFKB1 protein (p.Tyr90Cys).

NM_003998.4(NFKB1):c.269A>G (p.Tyr90Cys)

Gene: NFKB1 (nuclear factor kappa B subunit 1; plus strand). Cytogenetic location: 4q24.
Variant type: single nucleotide variant.
Coding change: c.269A>G on transcript NM_003998.4 (MANE Select); coding-DNA position 269, A replaced by G.
Protein change: p.Tyr90Cys; replaces tyrosine 90 with cysteine.
Molecular consequence: missense variant.
Genome position (GRCh38, 1-based): chr4:102,566,997, A>G. VCF-style: chr4-102566997-A-G. GRCh37 (hg19) VCF-style: chr4-103488154-A-G.
Other names: c.266A>G, p.Tyr89Cys (NM_001165412.2, NM_001319226.2, NM_001382627.1); c.269A>G, p.Tyr90Cys (NM_001382625.1, NM_001382626.1); c.227A>G, p.Tyr76Cys (NM_001382628.1); short protein forms Y90C, Y76C, Y89C.
Identifiers: ClinVar variation 2128032 (VCV002128032.4), dbSNP rs764399130, ClinGen allele CA357958720.